The following is an entry in ClinVar:

NM_000532.5(PCCB):c.1094G>A (p.Cys365Tyr)

Gene: PCCB (propionyl-CoA carboxylase subunit beta; plus strand). Cytogenetic location: 3q22.3.
Variant type: single nucleotide variant.
Coding change: c.1094G>A on transcript NM_000532.5 (MANE Select); coding-DNA position 1094, G replaced by A.
Protein change: p.Cys365Tyr; replaces cysteine 365 with tyrosine.
Molecular consequence: missense variant.
Genome position (GRCh38, 1-based): chr3:136,326,806, G>A. VCF-style: chr3-136326806-G-A. GRCh37 (hg19) VCF-style: chr3-136045648-G-A.
Other names: c.1154G>A, p.Cys385Tyr (NM_001178014.2); short protein forms C365Y, C385Y.
Identifiers: ClinVar variation 2842547 (VCV002842547.3), dbSNP rs2529970244, ClinGen allele CA354648391.

ClinVar aggregate classification (germline): Likely pathogenic (1 of 4 stars; one submission).

Conditions:
Propionic acidemia (PROP). Also called: GLYCINEMIA, KETOTIC; HYPERGLYCINEMIA WITH KETOACIDOSIS AND LEUKOPENIA; KETOTIC HYPERGLYCINEMIA. Identifiers: Orphanet 35, MedGen C0268579, MONDO:0011628, OMIM 606054, HP:0003571.

Submission:

Labcorp Genetics (formerly Invitae), Labcorp
Classification: Likely pathogenic for Propionic acidemia. Last evaluated: 2023-03-03. Review status: criteria provided, single submitter. Criteria: Invitae Variant Classification Sherloc (09022015). Collection method: clinical testing. Allele origin: germline.
Comment: In summary, the currently available evidence indicates that the variant is pathogenic, but additional data are needed to prove that conclusively. Therefore, this variant has been classified as Likely Pathogenic. Advanced modeling of protein sequence and biophysical properties (such as structural, functional, and spatial information, amino acid conservation, physicochemical variation, residue mobility, and thermodynamic stability) performed at Invitae indicates that this missense variant is expected to disrupt PCCB protein function. This missense change has been observed in individual(s) with proprionic acidemia (Invitae). In at least one individual the data is consistent with being in trans (on the opposite chromosome) from a pathogenic variant. This variant is not present in population databases (gnomAD no frequency). This sequence change replaces cysteine, which is neutral and slightly polar, with tyrosine, which is neutral and polar, at codon 365 of the PCCB protein (p.Cys365Tyr).